The following is an entry in ClinVar:

NM_000277.3(PAH):c.1171A>G (p.Ser391Gly)

Gene: PAH (phenylalanine hydroxylase; minus strand). Cytogenetic location: 12q23.2.
Variant type: single nucleotide variant.
Coding change: c.1171A>G on transcript NM_000277.3 (MANE Select); coding-DNA position 1171, A replaced by G.
Protein change: p.Ser391Gly; replaces serine 391 with glycine.
Molecular consequence: missense variant.
Genome position (GRCh38, 1-based): chr12:102,843,674, T>C on the plus strand (A>G on the coding strand, the complement: PAH is on the minus strand). VCF-style: chr12-102843674-T-C. GRCh37 (hg19) VCF-style: chr12-103237452-T-C.
Other names: c.1171A>G, p.Ser391Gly (NM_001354304.2); short protein forms S391G.
Identifiers: ClinVar variation 120261 (VCV000120261.3), dbSNP rs281865453, ClinGen allele CA267630.

ClinVar aggregate classification (germline): Uncertain significance. Review status: reviewed by expert panel (3 of 4 stars). 2 submissions from 2 submitters: Uncertain significance (1). 1 of the submissions does not count toward it. Last evaluated 2020-04-10.

Conditions:
Phenylketonuria (PKU). Also called: Phenylketonuria (PKU); FOLLING DISEASE; OLIGOPHRENIA PHENYLPYRUVICA; Phenylketonurias. Identifiers: Orphanet 716, MedGen C0031485, MONDO:0009861, OMIM 261600. Disease mechanism: loss of function.

Submissions (2):

ClinGen PAH Variant Curation Expert Panel
Classification: Uncertain significance for Phenylketonuria. Last evaluated: 2020-04-10. Review status: reviewed by expert panel. Criteria: ClinGen PAH ACMG Specifications v1. Collection method: curation. Allele origin: germline. Inheritance: Autosomal recessive inheritance.
Comment: The c.1171A>G (p.Ser391Gly) variant in PAH has been reported in at least 1 individual with classic PKU (PMID: 26666653). However, the patient genotype included pathogenic variants c.194 T>C; p.Ile65Thr (ClinVar: 636), c.1169A>G; p.Glu390Gly (ClinVar: 625), and this variant c.1171A>G (p.Ser391Gly) with phasing not confirmed. This variant was absent in population databases (PM2). Computational prediction tools suggest that the c.1171A>G variant may impact the protein (PP3). The alternate missense changes of Ser391Ile (interpreted as Pathogenic by the ClinGen PAH Expert Panel) and Ser391Thr (ClinVar 225136, Likely Pathogenic) have been reported at the same amino acid residue (PM5). In summary, this variant meets criteria to be classified as uncertain significance for PAH. PAH-specific ACMG/AMP criteria applied: PM2, PM5, PP3.

Inserm U 954, Faculté de Médecine de Nancy
Classification: Likely pathogenic for Phenylketonuria. Review status: no assertion criteria provided. Collection method: not provided. Allele origin: unknown. Not counted in ClinVar's aggregate classification.
Comment: PKU patients;associated with c.1169A>G
ClinVar note: Converted during submission from probable-pathogenic to Likely pathogenic.